The following is an entry in ClinVar:

ClinVar aggregate classification (germline): Uncertain significance (1 of 4 stars; one submission).

Conditions:
Pyogenic bacterial infections due to MyD88 deficiency (IMD68). Also called: PYOGENIC BACTERIAL INFECTIONS, RECURRENT, DUE TO MYD88 DEFICIENCY. Identifiers: Orphanet 183713, MedGen C2677092, MONDO:0012839, OMIM 612260.

Submission:

Labcorp Genetics (formerly Invitae), Labcorp
Classification: Uncertain significance for Myd88 deficiency. Last evaluated: 2019-08-09. Review status: criteria provided, single submitter. Criteria: Invitae Variant Classification Sherloc (09022015). Collection method: clinical testing. Allele origin: germline.
Comment: This sequence change replaces proline with arginine at codon 11 of the MYD88 protein (p.Pro11Arg). The proline residue is weakly conserved and there is a moderate physicochemical difference between proline and arginine. This variant is not present in population databases (ExAC no frequency). This variant has not been reported in the literature in individuals with MYD88-related conditions. Algorithms developed to predict the effect of missense changes on protein structure and function output the following: SIFT: "Tolerated"; PolyPhen-2: "Benign"; Align-GVGD: "Class C0". The arginine amino acid residue is found in multiple mammalian species, suggesting that this missense change does not adversely affect protein function. These predictions have not been confirmed by published functional studies and their clinical significance is uncertain. In summary, the available evidence is currently insufficient to determine the role of this variant in disease. Therefore, it has been classified as a Variant of Uncertain Significance.

NM_002468.5(MYD88):c.-8C>G

Gene: MYD88 (MYD88 innate immune signal transduction adaptor; plus strand). Cytogenetic location: 3p22.2.
Variant type: single nucleotide variant.
Coding change: c.-8C>G on transcript NM_002468.5 (MANE Select); 8 bases upstream of the start codon, C replaced by G.
Molecular consequence: 5 prime UTR variant.
Genome position (GRCh38, 1-based): chr3:38,138,693, C>G. VCF-style: chr3-38138693-C-G. GRCh37 (hg19) VCF-style: chr3-38180184-C-G.
Other names: c.-8C>G (NM_001172566.2, NM_001172567.2, NM_001172568.2 and 4 more transcripts).
Identifiers: ClinVar variation 961630 (VCV000961630.1), dbSNP rs1700984625, ClinGen allele CA352127225.